The following is an entry in ClinVar:

ClinVar aggregate classification (germline): Uncertain significance (1 of 4 stars; one submission).

Conditions:
Familial thoracic aortic aneurysm and aortic dissection (TAAD). Also called: Thoracic aortic aneurysms and dissections. Identifiers: Orphanet 91387, MedGen C4707243, MONDO:0019625.

Submission:

Labcorp Genetics (formerly Invitae), Labcorp
Classification: Uncertain significance for Familial thoracic aortic aneurysm and aortic dissection. Last evaluated: 2024-01-11. Review status: criteria provided, single submitter. Criteria: Invitae Variant Classification Sherloc (09022015). Collection method: clinical testing. Allele origin: germline.
Comment: This sequence change affects the initiator methionine of the TGFBR1 mRNA. The next in-frame methionine is located at codon 70. The frequency data for this variant in the population databases is considered unreliable, as metrics indicate insufficient coverage at this position in the gnomAD database. Disruption of the initiator codon has been observed in individual(s) with clinical features of TGFBR1-related conditions (Invitae). ClinVar contains an entry for this variant (Variation ID: 1363743). Experimental studies and prediction algorithms are not available or were not evaluated, and the functional significance of this variant is currently unknown. This variant disrupts a region of the TGFBR1 protein in which other variant(s) (p.Ala3Thr) have been observed in individuals with TGFBR1-related conditions (Invitae). This suggests that this is a clinically significant region of the protein, and that variants that disrupt it are likely to be disease-causing. In summary, the available evidence is currently insufficient to determine the role of this variant in disease. Therefore, it has been classified as a Variant of Uncertain Significance.

NM_004612.4(TGFBR1):c.-12_14del (p.Met1fs)

Genes: TGFBR1 (transforming growth factor beta receptor 1; plus strand), LOC130002223 (ATAC-STARR-seq lymphoblastoid silent region 20124; plus strand). Cytogenetic location: 9q22.33.
Variant type: Deletion.
Coding change: c.-12_14del on transcript NM_004612.4 (MANE Select); 12 bases upstream of the start codon through coding-DNA position 14, 26 bases deleted (GGCGGCGGGACCATGGAGGCGGCGGT).
Protein change: p.Met1fs; shifts the reading frame from methionine 1.
Molecular consequence: frameshift variant, initiator codon variant.
Genome position (GRCh38, 1-based): chr9:99,105,194-99,105,219, GGCGGCGGGACCATGGAGGCGGCGGT deleted; deleting any 26 consecutive bases within chr9:99,105,188-99,105,219 gives the same sequence; the c. name uses the placement nearest the transcript's 3' end. VCF-style (leftmost placement, unchanged base first): chr9-99105187-AGGCGGTGGCGGCGGGACCATGGAGGC-A. GRCh37 (hg19) VCF-style: chr9-101867469-AGGCGGTGGCGGCGGGACCATGGAGGC-A.
Other names: c.-12_14del, p.Met1fs (NM_001130916.3, NM_001306210.2); short protein forms M1fs.
Identifiers: ClinVar variation 1363743 (VCV001363743.7), dbSNP rs2118161371, ClinGen allele CA2573144935.